The following is an entry in ClinVar:

ClinVar aggregate classification (germline): Uncertain significance. Review status: criteria provided, multiple submitters, no conflicts (2 of 4 stars). 2 submissions from 2 submitters: Uncertain significance (2). Last evaluated 2025-10-17.

Conditions:
Cardiomyopathy (CMYO). Also called: Cardiomyopathies. Identifiers: Orphanet 167848, MedGen C0878544, MONDO:0004994, HP:0001638. Inheritance: Various modes of inheritance.

Allele frequency attached by ClinVar (database versions not stated): gnomAD exomes below 0.00001.
gnomAD v4.1: 2 of 1,584,160 alleles (0.00013%); highest among the groups gnomAD compares: Non-Finnish European, 0.00017%; no homozygotes.

Submissions (2):

Women's Health and Genetics/Laboratory Corporation of America, LabCorp
Classification: Uncertain significance. Last evaluated: 2025-10-17. Review status: criteria provided, single submitter. Criteria: LabCorp Variant Classification Summary - May 2015. Collection method: clinical testing. Allele origin: germline.
Comment: Variant summary: CASQ2 c.532T>C (p.Tyr178His) results in a conservative amino acid change in the encoded protein sequence. Algorithms developed to predict the effect of missense changes on protein structure and function are either unavailable or do not agree on the potential impact of this missense change. Consensus agreement among computation tools predict no significant impact on normal splicing. However, these predictions have yet to be confirmed by functional studies. The variant was absent in 251408 control chromosomes. The available data on variant occurrences in the general population are insufficient to allow any conclusion about variant significance. c.532T>C has been observed in the heterozygous state in a family with Brugada syndrome where it segregated with disease (d'Apolito_2024). These report(s) do not provide unequivocal conclusions about association of the variant with Arrhythmia. To our knowledge, no experimental evidence demonstrating an impact on protein function has been reported. The following publication have been ascertained in the context of this evaluation (PMID: 39062601). ClinVar contains an entry for this variant (Variation ID: 915586). Based on the evidence outlined above, the variant was classified as uncertain significance.

CHEO Genetics Diagnostic Laboratory, Children's Hospital of Eastern Ontario
Classification: Uncertain significance for Cardiomyopathy. Last evaluated: 2018-01-17. Review status: criteria provided, single submitter. Criteria: ACMG Guidelines, 2015. Collection method: clinical testing. Allele origin: germline.

Literature cited by the submitters: PubMed 39062601 (cited by Women's Health and Genetics/Laboratory Corporation of America, LabCorp).

NM_001232.4(CASQ2):c.532T>C (p.Tyr178His)

Gene: CASQ2 (calsequestrin 2; minus strand). Cytogenetic location: 1p13.1.
Variant type: single nucleotide variant.
Coding change: c.532T>C on transcript NM_001232.4 (MANE Select); coding-DNA position 532, T replaced by C.
Protein change: p.Tyr178His; replaces tyrosine 178 with histidine.
Molecular consequence: missense variant.
Genome position (GRCh38, 1-based): chr1:115,738,224, A>G on the plus strand (T>C on the coding strand, the complement: CASQ2 is on the minus strand). VCF-style: chr1-115738224-A-G. GRCh37 (hg19) VCF-style: chr1-116280845-A-G.
Other names: short protein forms Y178H.
Identifiers: ClinVar variation 915586 (VCV000915586.3), dbSNP rs1648031031, ClinGen allele CA341763776.